The following is an entry in ClinVar:

ClinVar aggregate classification (germline): Uncertain significance. Review status: criteria provided, single submitter (1 of 4 stars). 2 submissions from 2 submitters: Uncertain significance (1). 1 of the submissions does not count toward it. Last evaluated 2024-07-11.

Conditions:
Familial hemiplegic migraine. Identifiers: MedGen C0338484, MONDO:0000700.
Developmental and epileptic encephalopathy 98. Identifiers: MedGen C5562017, MONDO:0030472, OMIM 619605.

Allele frequency attached by ClinVar (database versions not stated): gnomAD exomes below 0.00001.
gnomAD v4.1: 2 of 1,614,172 alleles (0.00012%); highest among the groups gnomAD compares: African/African-American, 0.0013%; no homozygotes.

Submissions (2):

Labcorp Genetics (formerly Invitae), Labcorp
Classification: Uncertain significance for Familial hemiplegic migraine. Last evaluated: 2024-07-11. Review status: criteria provided, single submitter. Criteria: Invitae Variant Classification Sherloc (09022015). Collection method: clinical testing. Allele origin: germline.
Comment: This sequence change replaces glycine, which is neutral and non-polar, with glutamic acid, which is acidic and polar, at codon 706 of the ATP1A2 protein (p.Gly706Glu). This variant is present in population databases (rs757033679, gnomAD 0.007%). This variant has not been reported in the literature in individuals affected with ATP1A2-related conditions. ClinVar contains an entry for this variant (Variation ID: 1441397). An algorithm developed to predict the effect of missense changes on protein structure and function (PolyPhen-2) suggests that this variant is likely to be disruptive. In summary, the available evidence is currently insufficient to determine the role of this variant in disease. Therefore, it has been classified as a Variant of Uncertain Significance.

Hong-Tao Li Lab, Institute of Brain Science and Brain-inspired Research, Shandong First Medical University & Shandong Academy of Medical Sciences China
Classification: Uncertain significance for Developmental and epileptic encephalopathy 98. Review status: no assertion criteria provided. Collection method: research. Allele origin: germline. Inheritance: Autosomal dominant inheritance. Affected: yes. Observed: 1 variant allele, 1 heterozygote. Not counted in ClinVar's aggregate classification.
Comment: Observed in affected individuals from a Pakistani neurodevelopmental-disorder research cohort of 263 individuals. Classification assigned using the ACMG/AMP framework. Population-frequency evidence: gnomAD AF 3.977e-06.

NM_000702.4(ATP1A2):c.2117G>A (p.Gly706Glu)

Gene: ATP1A2 (ATPase Na+/K+ transporting subunit alpha 2; plus strand). Cytogenetic location: 1q23.2.
Variant type: single nucleotide variant.
Coding change: c.2117G>A on transcript NM_000702.4 (MANE Select); coding-DNA position 2117, G replaced by A.
Protein change: p.Gly706Glu; replaces glycine 706 with glutamic acid.
Molecular consequence: missense variant.
Genome position (GRCh38, 1-based): chr1:160,135,435, G>A. VCF-style: chr1-160135435-G-A. GRCh37 (hg19) VCF-style: chr1-160105225-G-A.
Other names: short protein forms G706E.
Identifiers: ClinVar variation 1441397 (VCV001441397.9), dbSNP rs757033679, ClinGen allele CA31501141.